The following is an entry in ClinVar:

ClinVar aggregate classification (germline): Pathogenic. Review status: criteria provided, multiple submitters, no conflicts (2 of 4 stars). 3 submissions from 3 submitters: Pathogenic (3). Last evaluated 2026-06-24.

Conditions:
Familial adenomatous polyposis 1 (FAP1). Also called: FAMILIAL ADENOMATOUS POLYPOSIS 1, ATTENUATED; POLYPOSIS, ADENOMATOUS INTESTINAL. Identifiers: MedGen C2713442, MONDO:0021056, OMIM 175100. Disease mechanism: loss of function.
Hereditary cancer-predisposing syndrome. Also called: Hereditary neoplastic syndrome; Hereditary Cancer Syndrome; Neoplastic Syndromes, Hereditary; Tumor predisposition. Identifiers: Orphanet 140162, MedGen C0027672, MeSH D009386, MONDO:0015356.

Submissions (3):

Ambry Genetics
Classification: Pathogenic for Hereditary cancer-predisposing syndrome. Last evaluated: 2026-06-24. Review status: criteria provided, single submitter. Criteria: Ambry Variant Classification Scheme 2023. Collection method: clinical testing. Allele origin: germline.
Comment: The c.4984dupA pathogenic mutation, located in coding exon 15 of the APC gene, results from a duplication of A at nucleotide position 4984, causing a translational frameshift with a predicted alternate stop codon (p.I1662Nfs*7). This variant occurs at the 3' terminus of the gene, is not expected to trigger nonsense-mediated mRNA decay, and impacts the last 42% of the protein. However, premature stop codons are typically deleterious in nature, the impacted region is critical for protein function, and a significant portion of the protein is affected (Ambry internal data). This variant was reported in individual(s) with features consistent with APC-related familial adenomatous polyposis (Ambry internal data). This variant is considered to be rare based on population cohorts in the Genome Aggregation Database (gnomAD). Based on the supporting evidence, this variant is interpreted as a disease-causing mutation.

Labcorp Genetics (formerly Invitae), Labcorp
Classification: Pathogenic for Familial adenomatous polyposis 1. Last evaluated: 2025-06-11. Review status: criteria provided, single submitter. Criteria: Invitae Variant Classification Sherloc (09022015). Collection method: clinical testing. Allele origin: germline.
Comment: This sequence change creates a premature translational stop signal (p.Ile1662Asnfs*7) in the APC gene. While this is not anticipated to result in nonsense mediated decay, it is expected to disrupt the last 1182 amino acid(s) of the APC protein. This variant is not present in population databases (gnomAD no frequency). This variant has not been reported in the literature in individuals affected with APC-related conditions. ClinVar contains an entry for this variant (Variation ID: 2584016). This variant is expected to disrupt the EB1 and HDLG binding sites, which mediate interactions with the cytoskeleton (PMID: 15311282, 17293347). While functional studies have not been performed to directly test the effect on APC protein function, this suggests that disruption of the C-terminal portion of the protein is functionally important. A different truncation (p.Tyr2645Lysfs*14) that lies downstream of this variant has been determined to be pathogenic (PMID: 9824584, 1316610, 27081525, 8381579, 22135120, internal data). This suggests that deletion of this region of the APC protein is causative of disease. For these reasons, this variant has been classified as Pathogenic.

Myriad Genetics, Inc.
Classification: Pathogenic for Familial adenomatous polyposis 1. Last evaluated: 2023-05-12. Review status: criteria provided, single submitter. Criteria: Myriad Autosomal Dominant, Autosomal Recessive and X-Linked Classification Criteria (2023). Collection method: clinical testing. Allele origin: unknown.
Comment: This variant is considered pathogenic. This variant creates a frameshift predicted to result in premature protein truncation.

Literature cited by the submitters: PubMed 15311282 (cited by Labcorp Genetics (formerly Invitae), Labcorp); PubMed 17293347 (cited by Labcorp Genetics (formerly Invitae), Labcorp); PubMed 9824584 (cited by Labcorp Genetics (formerly Invitae), Labcorp); PubMed 1316610 (cited by Labcorp Genetics (formerly Invitae), Labcorp); PubMed 27081525 (cited by Labcorp Genetics (formerly Invitae), Labcorp); PubMed 8381579 (cited by Labcorp Genetics (formerly Invitae), Labcorp); PubMed 22135120 (cited by Labcorp Genetics (formerly Invitae), Labcorp).

NM_000038.6(APC):c.4984dup (p.Ile1662fs)

Gene: APC (APC regulator of Wnt signaling pathway; plus strand). Cytogenetic location: 5q22.2.
Variant type: Duplication.
Coding change: c.4984dup on transcript NM_000038.6 (MANE Select); coding-DNA position 4984, one base duplicated (A; older notation c.4984dupA).
Protein change: p.Ile1662fs; shifts the reading frame from isoleucine 1662.
Molecular consequence: frameshift variant. On other transcripts: non-coding transcript variant (2).
Genome position (GRCh38, 1-based): chr5:112,840,578, A duplicated; the last of 2 consecutive A bases (chr5:112,840,577-112,840,578); duplicating either gives the same sequence. VCF-style (leftmost placement, unchanged base first): chr5-112840576-C-CA. GRCh37 (hg19) VCF-style: chr5-112176273-C-CA.
Other names: c.4984dupA (NM_000038.5); c.4984dup, p.Ile1662fs (NM_001127510.3, NM_001354895.2, NM_001407450.1); c.4930dup, p.Ile1644fs (NM_001127511.3); c.5038dup, p.Ile1680fs (NM_001354896.2, NM_001407447.1, NM_001407448.1 and 1 more transcripts); c.5014dup, p.Ile1672fs (NM_001354897.2); c.4909dup, p.Ile1637fs (NM_001354898.2); c.4900dup, p.Ile1634fs (NM_001354899.2); c.4861dup, p.Ile1621fs (NM_001354900.2); and 12 more; short protein forms I1278fs, I1379fs, I1502fs, I1533fs, I1536fs, I1561fs, I1571fs, I1579fs.
Identifiers: ClinVar variation 2584016 (VCV002584016.4), dbSNP rs2533612845, ClinGen allele CA2582341404.
Genomic context (GRCh38, chr5:112,840,576, plus strand): 5'-TGTATTGTGTTGAAGGGACACCTATAAACTTTTCCACAGCTACATCTCTAAGTGATCTAA[C>CA]AATCGAATCCCCTCCAAATGAGTTAGCTGCTGGAGAAGGAGTTAGAGGAGGGGCACAGTC-3'